The following is an entry in ClinVar:

ClinVar aggregate classification (germline): Benign/Likely benign. Review status: criteria provided, multiple submitters, no conflicts (2 of 4 stars). 2 submissions from 2 submitters: Benign (1); Likely benign (1). Last evaluated 2026-01-14.

Allele frequency attached by ClinVar (database versions not stated): 1000 Genomes Project 30x 0.00265; 1000 Genomes Project 0.00339; TOPMed 0.00386; ESP Exome Variant Server 0.00485; ExAC 0.00624; gnomAD exomes 0.00638 and 0.00722.
gnomAD v4.1: 11,323 of 1,611,594 alleles (0.7%); highest among the groups gnomAD compares: South Asian, 0.97%; 65 homozygotes.

Submissions (2):

Labcorp Genetics (formerly Invitae), Labcorp
Classification: Benign. Last evaluated: 2026-01-14. Review status: criteria provided, single submitter. Criteria: Invitae Variant Classification Sherloc (09022015). Collection method: clinical testing. Allele origin: germline.

CeGaT Center for Human Genetics Tuebingen
Classification: Likely benign. Last evaluated: 2023-02-01. Review status: criteria provided, single submitter. Criteria: CeGaT Center For Human Genetics Tuebingen Variant Classification Criteria Version 2. Collection method: clinical testing. Allele origin: germline. Affected: yes. Observed: 1 variant allele.
Comment: ADAMTS18: BP4, BS2

NM_199355.4(ADAMTS18):c.3565G>A (p.Val1189Ile)

Gene: ADAMTS18 (ADAM metallopeptidase with thrombospondin type 1 motif 18; minus strand). Cytogenetic location: 16q23.1.
Variant type: single nucleotide variant.
Coding change: c.3565G>A on transcript NM_199355.4 (MANE Select); coding-DNA position 3565, G replaced by A.
Protein change: p.Val1189Ile; replaces valine 1189 with isoleucine.
Molecular consequence: missense variant.
Genome position (GRCh38, 1-based): chr16:77,284,057, C>T on the plus strand (G>A on the coding strand, the complement: ADAMTS18 is on the minus strand). VCF-style: chr16-77284057-C-T. GRCh37 (hg19) VCF-style: chr16-77317954-C-T.
Other names: c.3049G>A, p.Val1017Ile (NM_001326358.2); short protein forms V1017I, V1189I.
Identifiers: ClinVar variation 774925 (VCV000774925.34), dbSNP rs61749042, ClinGen allele CA8180348.